The following is an entry in ClinVar:

ClinVar aggregate classification (germline): Uncertain significance (1 of 4 stars; one submission).

Allele frequency attached by ClinVar (database versions not stated): gnomAD exomes below 0.00001; TOPMed 0.00001.
gnomAD v4.1: 2 of 1,613,980 alleles (0.00012%); highest among the groups gnomAD compares: Admixed American, 0.0017%; no homozygotes.

Submission:

Labcorp Genetics (formerly Invitae), Labcorp
Classification: Uncertain significance. Last evaluated: 2023-08-04. Review status: criteria provided, single submitter. Criteria: Invitae Variant Classification Sherloc (09022015). Collection method: clinical testing. Allele origin: germline.
Comment: In summary, the available evidence is currently insufficient to determine the role of this variant in disease. Therefore, it has been classified as a Variant of Uncertain Significance. An algorithm developed to predict the effect of missense changes on protein structure and function (PolyPhen-2) suggests that this variant is likely to be disruptive. ClinVar contains an entry for this variant (Variation ID: 1512019). This variant has not been reported in the literature in individuals affected with VCAN-related conditions. This variant is present in population databases (no rsID available, gnomAD 0.003%). This sequence change replaces serine, which is neutral and polar, with asparagine, which is neutral and polar, at codon 1811 of the VCAN protein (p.Ser1811Asn).

NM_004385.5(VCAN):c.5432G>A (p.Ser1811Asn)

Genes: VCAN (versican; plus strand), VCAN-AS1 (VCAN antisense RNA 1; minus strand). Cytogenetic location: 5q14.3.
Variant type: single nucleotide variant.
Coding change: c.5432G>A on transcript NM_004385.5 (MANE Select); coding-DNA position 5432, G replaced by A.
Protein change: p.Ser1811Asn; replaces serine 1811 with asparagine.
Molecular consequence: missense variant. On other transcripts: intron variant (2).
Genome position (GRCh38, 1-based): chr5:83,538,435, G>A. VCF-style: chr5-83538435-G-A. GRCh37 (hg19) VCF-style: chr5-82834254-G-A.
Other names: c.2471G>A, p.Ser824Asn (NM_001164097.2); c.4004-7102G>A (NM_001164098.2); c.1043-7102G>A (NM_001126336.3); short protein forms S824N, S1811N.
Identifiers: ClinVar variation 1512019 (VCV001512019.6), dbSNP rs1270257649, ClinGen allele CA360310403.
Genomic context (GRCh38, chr5:83,538,435, plus strand): 5'-CTGTCTTTACAGAAACAAATACATTAGAAAATTTGGGGGCACAGACCACTGAGCACAGCA[G>A]TATCCATCAACCTGGGGTTCAGGAAGGGCTGACCACTCTCCCACGTAGTCCTGCCTCTGT-3'
Protein context (NP_004376.2, residues 1801-1821): NLGAQTTEHS[Ser1811Asn]IHQPGVQEGL